The following is an entry in ClinVar:

NM_000159.4(GCDH):c.538A>G (p.Thr180Ala)

Gene: GCDH (glutaryl-CoA dehydrogenase; plus strand). Cytogenetic location: 19p13.13.
Variant type: single nucleotide variant.
Coding change: c.538A>G on transcript NM_000159.4 (MANE Select); coding-DNA position 538, A replaced by G.
Protein change: p.Thr180Ala; replaces threonine 180 with alanine.
Molecular consequence: missense variant. On other transcripts: non-coding transcript variant (2).
Genome position (GRCh38, 1-based): chr19:12,896,024, A>G. VCF-style: chr19-12896024-A-G. GRCh37 (hg19) VCF-style: chr19-13006838-A-G.
Other names: c.538A>G, p.Thr180Ala (NM_013976.5); short protein forms T180A.
Identifiers: ClinVar variation 5003601 (VCV005003601.1).

ClinVar aggregate classification (germline): Uncertain significance (1 of 4 stars; one submission).

Conditions:
Glutaric aciduria, type 1. Also called: Glutaricacidemia Type 1; Glutaricaciduria, type I; GA I; Glutaric Acidemia Type 1; Glutaryl-CoA dehydrogenase deficiency; Glutaric acidemia type I. Identifiers: Orphanet 25, MedGen C0268595, MONDO:0009281, OMIM 231670.

Submission:

Myriad Genetics, Inc.
Classification: Uncertain significance for Glutaric aciduria, type 1. Last evaluated: 2025-09-02. Review status: criteria provided, single submitter. Criteria: Myriad Autosomal Dominant, Autosomal Recessive and X-Linked Classification Criteria (2023). Collection method: clinical testing. Allele origin: unknown.
Comment: NM_000159.2(GCDH):c.538A>G(T180A) is a missense variant classified as a variant of uncertain significance in the context of glutaric acidemia, GCDH-related. T180A has been observed in a case with relevant disease (PMID: 19433437). Relevant functional assessments of this variant are not available in the literature. T180A has not been observed in referenced population frequency databases. In summary, there is insufficient evidence to classify NM_000159.2(GCDH):c.538A>G(T180A) as pathogenic or benign. Please note: this variant was assessed in the context of healthy population screening.

Literature cited by the submitters: PubMed 19433437.